The following is an entry in ClinVar:

ClinVar aggregate classification (germline): Uncertain significance. Review status: criteria provided, multiple submitters, no conflicts (2 of 4 stars). 2 submissions from 2 submitters: Uncertain significance (2). Last evaluated 2025-06-19.

Conditions:
SCN1B-related disorder. Also called: SCN1B-related condition; SCN1B-Related Disorders.
Brugada syndrome 5 (BRGDA5). Identifiers: Orphanet 130, Orphanet 871, MedGen C2748541, MONDO:0013015, OMIM 612838.

Submissions (2):

PreventionGenetics, part of Exact Sciences
Classification: Uncertain significance for SCN1B-related condition. Last evaluated: 2025-06-19. Review status: criteria provided, single submitter. Criteria: ACMG Guidelines, 2015. Collection method: clinical testing. Allele origin: germline.
Comment: The SCN1B c.415_417delGTC variant is predicted to result in an in-frame deletion (p.Val139del). To our knowledge, this variant has not been reported in the literature or in a large population database (gnomAD), indicating this variant is rare. At this time, the clinical significance of this variant is uncertain due to the absence of conclusive functional and genetic evidence.

Labcorp Genetics (formerly Invitae), Labcorp
Classification: Uncertain significance for Brugada syndrome 5. Last evaluated: 2020-06-21. Review status: criteria provided, single submitter. Criteria: Invitae Variant Classification Sherloc (09022015). Collection method: clinical testing. Allele origin: germline.
Comment: This variant, c.415_417del, results in the deletion of 1 amino acid(s) of the SCN1B protein (p.Val139del), but otherwise preserves the integrity of the reading frame. Experimental studies and prediction algorithms are not available or were not evaluated, and the functional significance of this variant is currently unknown. In summary, the available evidence is currently insufficient to determine the role of this variant in disease. Therefore, it has been classified as a Variant of Uncertain Significance. This variant has not been reported in the literature in individuals with SCN1B-related conditions. This variant is not present in population databases (ExAC no frequency).

NM_001037.5(SCN1B):c.412GTC[1] (p.Val139del)

Gene: SCN1B (sodium voltage-gated channel beta subunit 1; plus strand). Cytogenetic location: 19q13.11.
Variant type: Microsatellite.
Coding change: c.412GTC[1] on transcript NM_001037.5 (MANE Select); one copy of the 3-base unit GTC starting at c.412; the reference has two copies in a row; one copy, 3 bases deleted.
Protein change: p.Val139del; deletes valine 139.
Molecular consequence: inframe deletion.
Genome position (GRCh38, 1-based): chr19:35,033,706-35,033,708, GTC deleted; deleting any 3 consecutive bases within chr19:35,033,702-35,033,708 gives the same sequence; the position shown is the placement nearest the transcript's 3' end. VCF-style (leftmost placement, unchanged base first): chr19-35033701-GCGT-G. GRCh37 (hg19) VCF-style: chr19-35524605-GCGT-G.
Other names: c.415_417delGTC (NM_001037.4); c.313GTC[1], p.Val106del (NM_001321605.2); c.412GTC[1], p.Val139del (NM_199037.5); short protein forms V106del, V139del.
Identifiers: ClinVar variation 1005710 (VCV001005710.9), dbSNP rs2064229655, ClinGen allele CA2333467058.